The following is an entry in ClinVar:

NM_000246.4(CIITA):c.487C>A (p.Pro163Thr)

Gene: CIITA (class II major histocompatibility complex transactivator; plus strand). Cytogenetic location: 16p13.13.
Variant type: single nucleotide variant.
Coding change: c.487C>A on transcript NM_000246.4 (MANE Select); coding-DNA position 487, C replaced by A.
Protein change: p.Pro163Thr; replaces proline 163 with threonine.
Molecular consequence: missense variant. On other transcripts: non-coding transcript variant (1), intron variant (3).
Genome position (GRCh38, 1-based): chr16:10,902,043, C>A. VCF-style: chr16-10902043-C-A. GRCh37 (hg19) VCF-style: chr16-10995900-C-A.
Other names: c.490C>A, p.Pro164Thr (NM_001286402.1, NM_001379332.1); c.487C>A, p.Pro163Thr (NM_001379333.1); c.418C>A, p.Pro140Thr (NM_001379334.1); c.484+485C>A (NM_001379330.1); c.481+485C>A (NM_001379331.1, NM_001286403.2); short protein forms P164T, P163T, P140T.
Identifiers: ClinVar variation 644359 (VCV000644359.5), dbSNP rs555184617, ClinGen allele CA7899783.

ClinVar aggregate classification (germline): Uncertain significance. Review status: criteria provided, multiple submitters, no conflicts (2 of 4 stars). 3 submissions from 3 submitters: Uncertain significance (2). 1 of the submissions does not count toward it. Last evaluated 2023-04-19.

Conditions:
Inborn genetic diseases. Identifiers: MedGen C0950123, MeSH D030342.
MHC class II deficiency. Also called: Bare lymphocyte syndrome 2; BLS, TYPE II. Identifiers: Orphanet 572, MedGen C5447452, MONDO:0008855.

Allele frequency attached by ClinVar (database versions not stated): gnomAD exomes 0.00011 and 0.00021; 1000 Genomes Project 30x 0.00016; 1000 Genomes Project 0.00020; ExAC 0.00023.
gnomAD v4.1: 189 of 1,614,014 alleles (0.012%); highest among the groups gnomAD compares: South Asian, 0.19%; 4 homozygotes.

Submissions (3):

Ambry Genetics
Classification: Uncertain significance for Inborn genetic diseases. Last evaluated: 2023-04-19. Review status: criteria provided, single submitter. Criteria: Ambry Variant Classification Scheme 2023. Collection method: clinical testing. Allele origin: germline.

Labcorp Genetics (formerly Invitae), Labcorp
Classification: Uncertain significance for MHC class II deficiency. Last evaluated: 2022-08-16. Review status: criteria provided, single submitter. Criteria: Invitae Variant Classification Sherloc (09022015). Collection method: clinical testing. Allele origin: germline.
Comment: This sequence change replaces proline, which is neutral and non-polar, with threonine, which is neutral and polar, at codon 163 of the CIITA protein (p.Pro163Thr). This variant is present in population databases (rs555184617, gnomAD 0.2%). This variant has not been reported in the literature in individuals affected with CIITA-related conditions. ClinVar contains an entry for this variant (Variation ID: 644359). Algorithms developed to predict the effect of missense changes on protein structure and function are either unavailable or do not agree on the potential impact of this missense change (SIFT: "Deleterious"; PolyPhen-2: "Benign"; Align-GVGD: "Class C0"). In summary, the available evidence is currently insufficient to determine the role of this variant in disease. Therefore, it has been classified as a Variant of Uncertain Significance.

Natera, Inc.
Classification: Uncertain significance for Bare lymphocyte syndrome type II. Last evaluated: 2020-03-17. Review status: no assertion criteria provided. Collection method: clinical testing. Allele origin: germline. Not counted in ClinVar's aggregate classification.